The following is an entry in ClinVar:

NM_020631.6(PLEKHG5):c.1013A>G (p.Gln338Arg)

Gene: PLEKHG5 (pleckstrin homology and RhoGEF domain containing G5; minus strand). Cytogenetic location: 1p36.31.
Variant type: single nucleotide variant.
Coding change: c.1013A>G on transcript NM_020631.6 (MANE Select); coding-DNA position 1013, A replaced by G.
Protein change: p.Gln338Arg; replaces glutamine 338 with arginine.
Molecular consequence: missense variant.
Genome position (GRCh38, 1-based): chr1:6,472,594, T>C on the plus strand (A>G on the coding strand, the complement: PLEKHG5 is on the minus strand). VCF-style: chr1-6472594-T-C. GRCh37 (hg19) VCF-style: chr1-6532654-T-C.
Other names: c.1124A>G, p.Gln375Arg (NM_001042663.3, NM_001265592.2); c.1013A>G, p.Gln338Arg (NM_001042664.2, NM_001042665.2, NM_001265594.3 and 1 more transcripts); c.1220A>G, p.Gln407Arg (NM_001265593.2); short protein forms Q407R, Q338R, Q375R.
Identifiers: ClinVar variation 2947668 (VCV002947668.3), dbSNP rs2523184311, ClinGen allele CA338132952.

ClinVar aggregate classification (germline): Uncertain significance (1 of 4 stars; one submission).

Conditions:
Charcot-Marie-Tooth disease recessive intermediate C. Also called: CHARCOT-MARIE-TOOTH NEUROPATHY, RECESSIVE INTERMEDIATE C. Identifiers: Orphanet 369867, MedGen C3809309, MONDO:0014154, OMIM 615376.
Neuronopathy, distal hereditary motor, autosomal recessive 4. Also called: Autosomal recessive lower motor neuron disease with childhood onset; NEUROPATHY, DISTAL HEREDITARY MOTOR, AUTOSOMAL RECESSIVE 4. Identifiers: Orphanet 206580, MedGen C1970211, MONDO:0012608, OMIM 611067.

Allele frequency attached by ClinVar (database versions not stated): gnomAD exomes below 0.00001.
gnomAD v4.1: 1 of 1,613,338 alleles (0.000062%); highest among the groups gnomAD compares: South Asian, 0.0011%; no homozygotes.

Submission:

Labcorp Genetics (formerly Invitae), Labcorp
Classification: Uncertain significance for Neuronopathy, distal hereditary motor, autosomal recessive 4; Charcot-Marie-Tooth disease recessive intermediate C. Last evaluated: 2023-06-07. Review status: criteria provided, single submitter. Criteria: Invitae Variant Classification Sherloc (09022015). Collection method: clinical testing. Allele origin: germline.
Comment: In summary, the available evidence is currently insufficient to determine the role of this variant in disease. Therefore, it has been classified as a Variant of Uncertain Significance. An algorithm developed to predict the effect of missense changes on protein structure and function (PolyPhen-2) suggests that this variant is likely to be disruptive. This variant has not been reported in the literature in individuals affected with PLEKHG5-related conditions. This variant is not present in population databases (gnomAD no frequency). This sequence change replaces glutamine, which is neutral and polar, with arginine, which is basic and polar, at codon 338 of the PLEKHG5 protein (p.Gln338Arg).